The following is an entry in ClinVar:

ClinVar aggregate classification (germline): Uncertain significance (1 of 4 stars; one submission).

Submission:

Labcorp Genetics (formerly Invitae), Labcorp
Classification: Uncertain significance. Last evaluated: 2022-11-26. Review status: criteria provided, single submitter. Criteria: Invitae Variant Classification Sherloc (09022015). Collection method: clinical testing. Allele origin: germline.
Comment: In summary, the available evidence is currently insufficient to determine the role of this variant in disease. Therefore, it has been classified as a Variant of Uncertain Significance. Advanced modeling of protein sequence and biophysical properties (such as structural, functional, and spatial information, amino acid conservation, physicochemical variation, residue mobility, and thermodynamic stability) performed at Invitae indicates that this missense variant is expected to disrupt CFP protein function. This variant has not been reported in the literature in individuals affected with CFP-related conditions. This variant is not present in population databases (gnomAD no frequency). This sequence change replaces glycine, which is neutral and non-polar, with tryptophan, which is neutral and slightly polar, at codon 48 of the CFP protein (p.Gly48Trp).

NM_001145252.3(CFP):c.142G>T (p.Gly48Trp)

Gene: CFP (complement factor properdin; minus strand). Cytogenetic location: Xp11.23.
Variant type: single nucleotide variant.
Coding change: c.142G>T on transcript NM_001145252.3 (MANE Select); coding-DNA position 142, G replaced by T.
Protein change: p.Gly48Trp; replaces glycine 48 with tryptophan.
Molecular consequence: missense variant.
Genome position (GRCh38, 1-based): chrX:47,629,609, C>A on the plus strand (G>T on the coding strand, the complement: CFP is on the minus strand). VCF-style: chrX-47629609-C-A. GRCh37 (hg19) VCF-style: chrX-47489008-C-A.
Other names: c.142G>T, p.Gly48Trp (NM_002621.2); short protein forms G48W.
Identifiers: ClinVar variation 2987324 (VCV002987324.3), dbSNP rs1314835721, ClinGen allele CA412839480.